The following is an entry in ClinVar:

ClinVar aggregate classification (germline): Uncertain significance (1 of 4 stars; one submission).

Conditions:
Rhabdoid tumor predisposition syndrome 2 (RTPS2). Identifiers: Orphanet 231108, Orphanet 69077, MedGen C2750074, MONDO:0013224, OMIM 613325.

gnomAD v4.1: 1 of 1,586,598 alleles (0.000063%); highest among the groups gnomAD compares: Non-Finnish European, 0.000086%; no homozygotes.

Submission:

Labcorp Genetics (formerly Invitae), Labcorp
Classification: Uncertain significance for Rhabdoid tumor predisposition syndrome 2. Last evaluated: 2024-04-10. Review status: criteria provided, single submitter. Criteria: Invitae Variant Classification Sherloc (09022015). Collection method: clinical testing. Allele origin: germline.
Comment: This sequence change replaces glycine, which is neutral and non-polar, with glutamic acid, which is acidic and polar, at codon 193 of the SMARCA4 protein (p.Gly193Glu). This variant is not present in population databases (gnomAD no frequency). This variant has not been reported in the literature in individuals affected with SMARCA4-related conditions. Advanced modeling of protein sequence and biophysical properties (such as structural, functional, and spatial information, amino acid conservation, physicochemical variation, residue mobility, and thermodynamic stability) has been performed at Invitae for this missense variant, however the output from this modeling did not meet the statistical confidence thresholds required to predict the impact of this variant on SMARCA4 protein function. In summary, the available evidence is currently insufficient to determine the role of this variant in disease. Therefore, it has been classified as a Variant of Uncertain Significance.

NM_003072.5(SMARCA4):c.578G>A (p.Gly193Glu)

Gene: SMARCA4 (SWI/SNF related BAF chromatin remodeling complex subunit ATPase 4; plus strand). Cytogenetic location: 19p13.2.
Variant type: single nucleotide variant.
Coding change: c.578G>A on transcript NM_003072.5 (MANE Select); coding-DNA position 578, G replaced by A.
Protein change: p.Gly193Glu; replaces glycine 193 with glutamic acid.
Molecular consequence: missense variant. On other transcripts: non-coding transcript variant (1).
Genome position (GRCh38, 1-based): chr19:10,986,411, G>A. VCF-style: chr19-10986411-G-A. GRCh37 (hg19) VCF-style: chr19-11097087-G-A.
Other names: c.578G>A, p.Gly193Glu (NM_001128844.3, NM_001128845.2, NM_001128846.2 and 6 more transcripts); short protein forms G193E.
Identifiers: ClinVar variation 3636833 (VCV003636833.2).